The following is an entry in ClinVar:

ClinVar aggregate classification (germline): Uncertain significance. Review status: criteria provided, multiple submitters, no conflicts (2 of 4 stars). 3 submissions from 3 submitters: Uncertain significance (2). 1 of the submissions does not count toward it. Last evaluated 2025-08-13.

Conditions:
CHARGE syndrome (CHARGE). Also called: Coloboma, heart anomaly, choanal atresia, retardation, genital and ear anomalies; CHARGE association; Hall-Hittner syndrome; Hittner Hirsch Kreh syndrome; CHARGE ASSOCIATION--COLOBOMA, HEART ANOMALY, CHOANAL ATRESIA, RETARDATION, GENITAL AND EAR ANOMALIES. Identifiers: Orphanet 138, MedGen C0265354, MONDO:0008965.
CHD7-related disorder. Also called: CHD7-related condition.
Hypogonadotropic hypogonadism 5 with or without anosmia (KAL5). Also called: HYPOGONADOTROPIC HYPOGONADISM 5 WITH ANOSMIA; HYPOGONADOTROPHIC HYPOGONADISM 5 WITHOUT ANOSMIA; CHD7-Related GnRH Deficiency (Kallmann Syndrome 5). Identifiers: Orphanet 478, MedGen C3552553, MONDO:0012880, OMIM 612370. Disease mechanism: loss of function.

Allele frequency attached by ClinVar (database versions not stated): gnomAD exomes 0.00002 and 0.00004; TOPMed 0.00002.
gnomAD v4.1: 11 of 1,567,078 alleles (0.0007%); highest among the groups gnomAD compares: Admixed American, 0.021%; no homozygotes.

Submissions (3):

Labcorp Genetics (formerly Invitae), Labcorp
Classification: Uncertain significance for CHARGE syndrome. Last evaluated: 2025-08-13. Review status: criteria provided, single submitter. Criteria: Invitae Variant Classification Sherloc (09022015). Collection method: clinical testing. Allele origin: germline.
Comment: This sequence change falls in intron 33 of the CHD7 gene. It does not directly change the encoded amino acid sequence of the CHD7 protein. It affects a nucleotide within the consensus splice site. This variant is present in population databases (no rsID available, gnomAD 0.03%). This variant has not been reported in the literature in individuals affected with CHD7-related conditions. ClinVar contains an entry for this variant (Variation ID: 1492277). Variants that disrupt the consensus splice site are a relatively common cause of aberrant splicing (PMID: 17576681, 9536098). Algorithms developed to predict the effect of sequence changes on RNA splicing suggest that this variant is not likely to affect RNA splicing. In summary, the available evidence is currently insufficient to determine the role of this variant in disease. Therefore, it has been classified as a Variant of Uncertain Significance.

Fulgent Genetics
Classification: Uncertain significance for CHD7-related CHARGE syndrome; Hypogonadotropic hypogonadism 5 with or without anosmia. Last evaluated: 2024-05-20. Review status: criteria provided, single submitter. Criteria: ACMG Guidelines, 2015. Collection method: clinical testing. Allele origin: germline.

PreventionGenetics, part of Exact Sciences
Classification: Likely benign for CHD7-related condition. Last evaluated: 2024-06-19. Review status: no assertion criteria provided. Collection method: clinical testing. Allele origin: germline. Not counted in ClinVar's aggregate classification.
Comment: This variant is classified as likely benign based on ACMG/AMP sequence variant interpretation guidelines (Richards et al. 2015 PMID: 25741868, with internal and published modifications).

Literature cited by the submitters: PubMed 17576681 (cited by Labcorp Genetics (formerly Invitae), Labcorp); PubMed 9536098 (cited by Labcorp Genetics (formerly Invitae), Labcorp).

NM_017780.4(CHD7):c.7164+3G>A

Gene: CHD7 (chromodomain helicase DNA binding protein 7; plus strand). Cytogenetic location: 8q12.2.
Variant type: single nucleotide variant.
Coding change: c.7164+3G>A on transcript NM_017780.4 (MANE Select); 3 bases into the intron after coding-DNA position 7164, G replaced by A.
Molecular consequence: intron variant.
Genome position (GRCh38, 1-based): chr8:60,856,205, G>A. VCF-style: chr8-60856205-G-A. GRCh37 (hg19) VCF-style: chr8-61768764-G-A.
Other names: c.7164+3G>A (NM_017780.3); c.1717-6024G>A (NM_001316690.1).
Identifiers: ClinVar variation 1492277 (VCV001492277.8), dbSNP rs1181000692, ClinGen allele CA582403587.